The following is an entry in ClinVar:

NM_000512.5(GALNS):c.846C>T (p.Phe282=)

Gene: GALNS (galactosamine (N-acetyl)-6-sulfatase; minus strand). Cytogenetic location: 16q24.3.
Variant type: single nucleotide variant.
Coding change: c.846C>T on transcript NM_000512.5 (MANE Select); coding-DNA position 846, C replaced by T.
Protein change: p.Phe282=; no amino-acid change (phenylalanine 282 retained).
Molecular consequence: synonymous variant.
Genome position (GRCh38, 1-based): chr16:88,835,265, G>A on the plus strand (C>T on the coding strand, the complement: GALNS is on the minus strand). VCF-style: chr16-88835265-G-A. GRCh37 (hg19) VCF-style: chr16-88901673-G-A.
Other names: c.291C>T, p.Phe97= (NM_001323543.2); c.864C>T, p.Phe288= (NM_001323544.2).
Identifiers: ClinVar variation 93187 (VCV000093187.24), dbSNP rs35232749, ClinGen allele CA146728.

ClinVar aggregate classification (germline): Benign. Review status: criteria provided, multiple submitters, no conflicts (2 of 4 stars). 9 submissions from 9 submitters: Benign (8). 1 of the submissions does not count toward it. Last evaluated 2026-02-04.

Conditions:
Mucopolysaccharidosis, MPS-IV-A (MPS4A). Also called: Morquio syndrome A, mild; MORQUIO A DISEASE; Mucopolysaccharidosis type IV A; MORQUIO SYNDROME A; Mucopolysaccharidosis Type IVA; MPS IVA. Identifiers: Orphanet 309297, Orphanet 582, MedGen C0086651, MONDO:0009659, OMIM 253000.

Allele frequency attached by ClinVar (database versions not stated): ESP Exome Variant Server 0.03609; gnomAD 0.03726 and 0.03874; gnomAD exomes 0.03827 and 0.04578; TOPMed 0.04132; 1000 Genomes Project 0.04493; 1000 Genomes Project 30x 0.04560; ExAC 0.06169.
gnomAD v4.1: 61,764 of 1,610,646 alleles (3.8%); highest among the groups gnomAD compares: South Asian, 7.8%; 1,421 homozygotes.

Submissions (9):

Labcorp Genetics (formerly Invitae), Labcorp
Classification: Benign for Mucopolysaccharidosis, MPS-IV-A. Last evaluated: 2026-02-04. Review status: criteria provided, single submitter. Criteria: Invitae Variant Classification Sherloc (09022015). Collection method: clinical testing. Allele origin: germline.

Genome-Nilou Lab
Classification: Benign for Mucopolysaccharidosis, MPS-IV-A. Last evaluated: 2021-11-07. Review status: criteria provided, single submitter. Criteria: ACMG Guidelines, 2015. Collection method: clinical testing. Allele origin: germline. Affected: no.

Women's Health and Genetics/Laboratory Corporation of America, LabCorp
Classification: Benign. Last evaluated: 2019-02-15. Review status: criteria provided, single submitter. Criteria: LabCorp Variant Classification Summary - May 2015. Collection method: clinical testing. Allele origin: germline.
Comment: Variant summary: GALNS c.846C>T alters a non-conserved nucleotide resulting in a synonymous change. 5/5 computational tools predict no significant impact on normal splicing. However, these predictions have yet to be confirmed by functional studies. The variant allele was found at a frequency of 0.062 in 84726 control chromosomes in the gnomAD database, including 143 homozygotes. The observed variant frequency is approximately 30-folds higher than the estimated maximal expected allele frequency for a pathogenic variant in GALNS causing Mucopolysaccharidosis Type IVA (Morquio Syndrome A) phenotype (0.002), strongly suggesting that the variant is benign. Two ClinVar submissions from clinical diagnostic laboratories (evaluation after 2014) cite the variant as likely benign/benign. Based on the evidence outlined above, the variant was classified as benign.

GeneDx
Classification: Benign. Last evaluated: 2018-05-01. Review status: criteria provided, single submitter. Criteria: GeneDx Variant Classification (06012015). Collection method: clinical testing. Allele origin: germline. Affected: yes.
Comment: This variant is considered likely benign or benign based on one or more of the following criteria: it is a conservative change, it occurs at a poorly conserved position in the protein, it is predicted to be benign by multiple in silico algorithms, and/or has population frequency not consistent with disease.

Illumina Laboratory Services, Illumina
Classification: Benign for Mucopolysaccharidosis, MPS-IV-A. Last evaluated: 2018-01-12. Review status: criteria provided, single submitter. Criteria: ICSL Variant Classification Criteria 13 December 2019. Collection method: clinical testing. Allele origin: germline.
Comment: This variant was observed in the ICSL laboratory as part of a predisposition screen in an ostensibly healthy population. It had not been previously curated by ICSL or reported in the Human Gene Mutation Database (HGMD: prior to June 1st, 2018), and was therefore a candidate for classification through an automated scoring system. Utilizing variant allele frequency, disease prevalence and penetrance estimates, and inheritance mode, an automated score was calculated to assess if this variant is too frequent to cause the disease. Based on the score and internal cut-off values, a variant classified as benign is not then subjected to further curation. The score for this variant resulted in a classification of benign for this disease.

Eurofins Ntd Llc (ga)
Classification: Benign. Last evaluated: 2012-11-12. Review status: criteria provided, single submitter. Criteria: EGL Classification Definitions 2015. Collection method: clinical testing. Allele origin: germline. Observed: 14 variant alleles, 12 heterozygotes, 2 homozygotes.

Breakthrough Genomics
Classification: Benign. Review status: criteria provided, single submitter. Criteria: ACMG Guidelines, 2015. Collection method: not provided. Allele origin: germline. Inheritance: Autosomal recessive inheritance. Affected: yes.

PreventionGenetics, part of Exact Sciences
Classification: Benign. Review status: criteria provided, single submitter. Criteria: ACMG Guidelines, 2015. Collection method: clinical testing. Allele origin: germline.

Mayo Clinic Laboratories, Mayo Clinic
Classification: Benign. Last evaluated: 2015-10-22. Review status: no assertion criteria provided. Collection method: clinical testing. Allele origin: unknown. Not counted in ClinVar's aggregate classification.